The following is an entry in ClinVar:

NM_015374.3(SUN2):c.437T>G (p.Val146Gly)

Gene: SUN2 (Sad1 and UNC84 domain containing 2; minus strand). Cytogenetic location: 22q13.1.
Variant type: single nucleotide variant.
Coding change: c.437T>G on transcript NM_015374.3 (MANE Select); coding-DNA position 437, T replaced by G.
Protein change: p.Val146Gly; replaces valine 146 with glycine.
Molecular consequence: missense variant.
Genome position (GRCh38, 1-based): chr22:38,750,308, A>C on the plus strand (T>G on the coding strand, the complement: SUN2 is on the minus strand). VCF-style: chr22-38750308-A-C. GRCh37 (hg19) VCF-style: chr22-39146313-A-C.
Other names: c.500T>G, p.Val167Gly (NM_001199579.2); c.437T>G, p.Val146Gly (NM_001199580.2); short protein forms V167G, V146G.
Identifiers: ClinVar variation 968578 (VCV000968578.9), dbSNP rs777319339, ClinGen allele CA10235931.

ClinVar aggregate classification (germline): Uncertain significance (1 of 4 stars; one submission).

Conditions:
Emery-Dreifuss muscular dystrophy (EDMD). Also called: Scapuloperoneal syndrome, X-linked (formerly); Humeroperoneal neuromuscular disease, (formerly). Identifiers: Orphanet 261, MedGen C0410189, MONDO:0016830.

Allele frequency attached by ClinVar (database versions not stated): TOPMed 0.00004.
gnomAD v4.1: 21 of 1,613,844 alleles (0.0013%); highest among the groups gnomAD compares: Non-Finnish European, 0.0017%; no homozygotes.

Submission:

Labcorp Genetics (formerly Invitae), Labcorp
Classification: Uncertain significance for Emery-Dreifuss muscular dystrophy. Last evaluated: 2025-10-01. Review status: criteria provided, single submitter. Criteria: Invitae Variant Classification Sherloc (09022015). Collection method: clinical testing. Allele origin: germline.
Comment: This sequence change replaces valine, which is neutral and non-polar, with glycine, which is neutral and non-polar, at codon 146 of the SUN2 protein (p.Val146Gly). This variant is present in population databases (rs777319339, gnomAD 0.004%). This variant has not been reported in the literature in individuals affected with SUN2-related conditions. ClinVar contains an entry for this variant (Variation ID: 968578). An algorithm developed to predict the effect of missense changes on protein structure and function (PolyPhen-2) suggests that this variant is likely to be tolerated. In summary, the available evidence is currently insufficient to determine the role of this variant in disease. Therefore, it has been classified as a Variant of Uncertain Significance.